The following is an entry in ClinVar:

ClinVar aggregate classification (germline): Pathogenic (1 of 4 stars; one submission).

Conditions:
Ataxia-telangiectasia syndrome (AT). Also called: LOUIS-BAR SYNDROME; Cerebello-oculocutaneous telangiectasia; Immunodeficiency with ataxia telangiectasia; Ataxia telangiectasia (A-T); Ataxia-telangiectasia, complementation group D; AT, COMPLEMENTATION GROUP C. Identifiers: Orphanet 100, MedGen C0004135, MONDO:0008840, OMIM 208900.

Submission:

Labcorp Genetics (formerly Invitae), Labcorp
Classification: Pathogenic for Ataxia-telangiectasia syndrome. Last evaluated: 2023-08-18. Review status: criteria provided, single submitter. Criteria: Invitae Variant Classification Sherloc (09022015). Collection method: clinical testing. Allele origin: germline.
Comment: This sequence change creates a premature translational stop signal (p.Leu2659Phefs*12) in the ATM gene. It is expected to result in an absent or disrupted protein product. Loss-of-function variants in ATM are known to be pathogenic (PMID: 23807571, 25614872). This variant is not present in population databases (gnomAD no frequency). This variant has not been reported in the literature in individuals affected with ATM-related conditions. For these reasons, this variant has been classified as Pathogenic.

Literature cited by the submitters: PubMed 23807571; PubMed 25614872.

NM_000051.4(ATM):c.7976dup (p.Leu2659fs)

Genes: ATM (ATM serine/threonine kinase; plus strand), C11orf65 (chromosome 11 open reading frame 65; minus strand). Cytogenetic location: 11q22.3.
Variant type: Duplication.
Coding change: c.7976dup on transcript NM_000051.4 (MANE Select); coding-DNA position 7976, one base duplicated (T; older notation c.7976dupT).
Protein change: p.Leu2659fs; shifts the reading frame from leucine 2659.
Molecular consequence: frameshift variant. On other transcripts: intron variant (2).
Genome position (GRCh38, 1-based): chr11:108,333,934, T duplicated; the last of 3 consecutive T bases (chr11:108,333,932-108,333,934); duplicating any one gives the same sequence. VCF-style (leftmost placement, unchanged base first): chr11-108333931-A-AT. GRCh37 (hg19) VCF-style: chr11-108204658-A-AT.
Other names: c.7976dup, p.Leu2659fs (NM_001351834.2); c.641-24861dup (NM_001330368.2); c.*38+1288dup (NM_001351110.2); short protein forms L2659fs.
Identifiers: ClinVar variation 2753674 (VCV002753674.3), dbSNP rs2136614884, ClinGen allele CA2697558877.